The following is an entry in ClinVar:

ClinVar aggregate classification (germline): Benign. Review status: criteria provided, multiple submitters, no conflicts (2 of 4 stars). 8 submissions from 8 submitters: Benign (6). 2 of the submissions do not count toward it. Last evaluated 2026-02-03.

Conditions:
Brain small vessel disease 2A, autosomal dominant. Also called: Porencephaly 2. Identifiers: Orphanet 2940, Orphanet 99810, MedGen C3280970, MONDO:0013773, OMIM 614483.

Allele frequency attached by ClinVar (database versions not stated): gnomAD 0.10158 and 0.10188; ESP Exome Variant Server 0.10350; 1000 Genomes Project 0.10383; 1000 Genomes Project 30x 0.10572; ExAC 0.10609; TOPMed 0.10720; gnomAD exomes 0.10802.
gnomAD v4.1: 166,273 of 1,613,708 alleles (10%); highest among the groups gnomAD compares: Middle Eastern, 16%; 8,862 homozygotes.

Submissions 1 to 30 of 40:

Labcorp Genetics (formerly Invitae), Labcorp
Classification: Benign. Last evaluated: 2026-02-03. Review status: criteria provided, single submitter. Criteria: Invitae Variant Classification Sherloc (09022015). Collection method: clinical testing. Allele origin: germline.

Blueprint Genetics
Classification: Benign. Last evaluated: 2024-11-27. Review status: criteria provided, single submitter. Criteria: ACMG Guidelines, 2015. Collection method: clinical testing. Allele origin: germline.

Mayo Clinic Laboratories, Mayo Clinic
Classification: Benign. Last evaluated: 2022-04-26. Review status: criteria provided, single submitter. Criteria: ACMG Guidelines, 2015. Collection method: clinical testing. Allele origin: germline. Observed: 76 variant alleles.

GeneDx
Classification: Benign. Last evaluated: 2018-05-16. Review status: criteria provided, single submitter. Criteria: GeneDx Variant Classification (06012015). Collection method: clinical testing. Allele origin: germline. Affected: yes.
Comment: This variant is considered likely benign or benign based on one or more of the following criteria: it is a conservative change, it occurs at a poorly conserved position in the protein, it is predicted to be benign by multiple in silico algorithms, and/or has population frequency not consistent with disease.

Illumina Laboratory Services, Illumina
Classification: Benign for Brain small vessel disease 2A, autosomal dominant. Last evaluated: 2018-01-12. Review status: criteria provided, single submitter. Criteria: ICSL Variant Classification Criteria 13 December 2019. Collection method: clinical testing. Allele origin: germline.
Comment: This variant was observed in the ICSL laboratory as part of a predisposition screen in an ostensibly healthy population. It had not been previously curated by ICSL or reported in the Human Gene Mutation Database (HGMD: prior to June 1st, 2018), and was therefore a candidate for classification through an automated scoring system. Utilizing variant allele frequency, disease prevalence and penetrance estimates, and inheritance mode, an automated score was calculated to assess if this variant is too frequent to cause the disease. Based on the score and internal cut-off values, a variant classified as benign is not then subjected to further curation. The score for this variant resulted in a classification of benign for this disease.

Breakthrough Genomics
Classification: Benign. Review status: criteria provided, single submitter. Criteria: ACMG Guidelines, 2015. Collection method: not provided. Allele origin: germline. Inheritance: Autosomal dominant inheritance. Affected: yes.

Clinical Genetics DNA and cytogenetics Diagnostics Lab, Erasmus MC, Erasmus Medical Center
Classification: Benign. Review status: no assertion criteria provided. Collection method: clinical testing. Allele origin: germline. Affected: yes. Study: VKGL Data-share Consensus. Not counted in ClinVar's aggregate classification.

Diagnostic Laboratory, Department of Genetics, University Medical Center Groningen
Classification: Benign. Review status: no assertion criteria provided. Collection method: clinical testing. Allele origin: germline. Affected: yes. Study: VKGL Data-share Consensus. Not counted in ClinVar's aggregate classification.

Dr. Peter K. Rogan Lab, Western University
No classification provided (evidence only). Condition: Colorectal cancer. Review status: no classification provided. Collection method: in vitro. Allele origin: not applicable. Functional consequence: retained intron. Not counted in ClinVar's aggregate classification.

Dr. Peter K. Rogan Lab, Western University
No classification provided (evidence only). Condition: Colorectal cancer. Review status: no classification provided. Collection method: in vitro. Allele origin: not applicable. Functional consequence: retained intron. Not counted in ClinVar's aggregate classification.

Dr. Peter K. Rogan Lab, Western University
No classification provided (evidence only). Condition: Colorectal cancer. Review status: no classification provided. Collection method: in vitro. Allele origin: not applicable. Functional consequence: retained intron. Not counted in ClinVar's aggregate classification.

Dr. Peter K. Rogan Lab, Western University
No classification provided (evidence only). Condition: Colorectal cancer. Review status: no classification provided. Collection method: in vitro. Allele origin: not applicable. Functional consequence: retained intron. Not counted in ClinVar's aggregate classification.

Dr. Peter K. Rogan Lab, Western University
No classification provided (evidence only). Condition: Colorectal cancer. Review status: no classification provided. Collection method: in vitro. Allele origin: not applicable. Functional consequence: retained intron. Not counted in ClinVar's aggregate classification.

Dr. Peter K. Rogan Lab, Western University
No classification provided (evidence only). Condition: Colorectal cancer. Review status: no classification provided. Collection method: in vitro. Allele origin: not applicable. Functional consequence: retained intron. Not counted in ClinVar's aggregate classification.

Dr. Peter K. Rogan Lab, Western University
No classification provided (evidence only). Condition: Colorectal cancer. Review status: no classification provided. Collection method: in vitro. Allele origin: not applicable. Functional consequence: retained intron. Not counted in ClinVar's aggregate classification.

Dr. Peter K. Rogan Lab, Western University
No classification provided (evidence only). Condition: Colorectal cancer. Review status: no classification provided. Collection method: in vitro. Allele origin: not applicable. Functional consequence: retained intron. Not counted in ClinVar's aggregate classification.

Dr. Peter K. Rogan Lab, Western University
No classification provided (evidence only). Condition: Colorectal cancer. Review status: no classification provided. Collection method: in vitro. Allele origin: not applicable. Functional consequence: retained intron. Not counted in ClinVar's aggregate classification.

Dr. Peter K. Rogan Lab, Western University
No classification provided (evidence only). Condition: Colorectal cancer. Review status: no classification provided. Collection method: in vitro. Allele origin: not applicable. Functional consequence: retained intron. Not counted in ClinVar's aggregate classification.

Dr. Peter K. Rogan Lab, Western University
No classification provided (evidence only). Condition: Colorectal cancer. Review status: no classification provided. Collection method: in vitro. Allele origin: not applicable. Functional consequence: retained intron. Not counted in ClinVar's aggregate classification.

Dr. Peter K. Rogan Lab, Western University
No classification provided (evidence only). Condition: Colorectal cancer. Review status: no classification provided. Collection method: in vitro. Allele origin: not applicable. Functional consequence: retained intron. Not counted in ClinVar's aggregate classification.

Dr. Peter K. Rogan Lab, Western University
No classification provided (evidence only). Condition: Colorectal cancer. Review status: no classification provided. Collection method: in vitro. Allele origin: not applicable. Functional consequence: retained intron. Not counted in ClinVar's aggregate classification.

Dr. Peter K. Rogan Lab, Western University
No classification provided (evidence only). Condition: Colorectal cancer. Review status: no classification provided. Collection method: in vitro. Allele origin: not applicable. Functional consequence: retained intron. Not counted in ClinVar's aggregate classification.

Dr. Peter K. Rogan Lab, Western University
No classification provided (evidence only). Condition: Colorectal cancer. Review status: no classification provided. Collection method: in vitro. Allele origin: not applicable. Functional consequence: retained intron. Not counted in ClinVar's aggregate classification.

Dr. Peter K. Rogan Lab, Western University
No classification provided (evidence only). Condition: Malignant lymphoma, large B-cell, diffuse. Review status: no classification provided. Collection method: in vitro. Allele origin: not applicable. Functional consequence: retained intron. Not counted in ClinVar's aggregate classification.

Dr. Peter K. Rogan Lab, Western University
No classification provided (evidence only). Condition: Malignant lymphoma, large B-cell, diffuse. Review status: no classification provided. Collection method: in vitro. Allele origin: not applicable. Functional consequence: retained intron. Not counted in ClinVar's aggregate classification.

Dr. Peter K. Rogan Lab, Western University
No classification provided (evidence only). Condition: Malignant lymphoma, large B-cell, diffuse. Review status: no classification provided. Collection method: in vitro. Allele origin: not applicable. Functional consequence: retained intron. Not counted in ClinVar's aggregate classification.

Dr. Peter K. Rogan Lab, Western University
No classification provided (evidence only). Condition: Adrenocortical carcinoma, hereditary. Review status: no classification provided. Collection method: in vitro. Allele origin: not applicable. Functional consequence: retained intron. Not counted in ClinVar's aggregate classification.

Dr. Peter K. Rogan Lab, Western University
No classification provided (evidence only). Condition: Adrenocortical carcinoma, hereditary. Review status: no classification provided. Collection method: in vitro. Allele origin: not applicable. Functional consequence: retained intron. Not counted in ClinVar's aggregate classification.

Dr. Peter K. Rogan Lab, Western University
No classification provided (evidence only). Condition: Adrenocortical carcinoma, hereditary. Review status: no classification provided. Collection method: in vitro. Allele origin: not applicable. Functional consequence: retained intron. Not counted in ClinVar's aggregate classification.

Dr. Peter K. Rogan Lab, Western University
No classification provided (evidence only). Condition: Adrenocortical carcinoma, hereditary. Review status: no classification provided. Collection method: in vitro. Allele origin: not applicable. Functional consequence: retained intron. Not counted in ClinVar's aggregate classification.

NM_001846.4(COL4A2):c.2048G>C (p.Gly683Ala)

Gene: COL4A2 (collagen type IV alpha 2 chain; plus strand). Cytogenetic location: 13q34.
Variant type: single nucleotide variant.
Coding change: c.2048G>C on transcript NM_001846.4 (MANE Select); coding-DNA position 2048, G replaced by C.
Protein change: p.Gly683Ala; replaces glycine 683 with alanine.
Molecular consequence: missense variant.
Genome position (GRCh38, 1-based): chr13:110,467,049, G>C. VCF-style: chr13-110467049-G-C. GRCh37 (hg19) VCF-style: chr13-111119396-G-C.
Other names: short protein forms G683A.
Identifiers: ClinVar variation 311143 (VCV000311143.22), dbSNP rs3803230, ClinGen allele CA7049808.